The following is an entry in ClinVar:

NM_194248.3(OTOF):c.3381dup (p.Pro1128fs)

Gene: OTOF (otoferlin; minus strand). Cytogenetic location: 2p23.3.
Variant type: Duplication.
Coding change: c.3381dup on transcript NM_194248.3 (MANE Select); coding-DNA position 3381, one base duplicated (G; older notation c.3381dupG).
Protein change: p.Pro1128fs; shifts the reading frame from proline 1128.
Molecular consequence: frameshift variant.
Genome position (GRCh38, 1-based): chr2:26,474,018, C duplicated on the plus strand (G on the coding strand, the reverse complement: OTOF is on the minus strand); the first of 2 consecutive C bases (chr2:26,474,018-26,474,019); duplicating either gives the same sequence. VCF-style (leftmost placement, unchanged base first): chr2-26474017-G-GC. GRCh37 (hg19) VCF-style: chr2-26696885-G-GC.
Other names: c.3381dup, p.Pro1128fs (NM_001287489.2); c.1140dup, p.Pro381fs (NM_004802.4, NM_194323.3); c.1311dup, p.Pro438fs (NM_194322.3); short protein forms P1128fs, P381fs, P438fs.
Identifiers: ClinVar variation 3601536 (VCV003601536.1).

ClinVar aggregate classification (germline): Likely pathogenic (1 of 4 stars; one submission).

Conditions:
Autosomal recessive nonsyndromic hearing loss 9. Also called: NEUROSENSORY NONSYNDROMIC RECESSIVE DEAFNESS 9; OTOF-Related Hearing Loss; Deafness, autosomal recessive 9; AUDITORY NEUROPATHY, AUTOSOMAL RECESSIVE, 1, TEMPERATURE-SENSITIVE. Identifiers: Orphanet 90636, MedGen C1832828, MONDO:0010986, OMIM 601071.

Submission:

Institute of Rare Diseases, West China Hospital, Sichuan University
Classification: Likely pathogenic for Autosomal recessive nonsyndromic hearing loss 9. Last evaluated: 2025-01-09. Review status: criteria provided, single submitter. Criteria: ClinGen HL ACMG Specifications v1. Collection method: research. Allele origin: germline. Affected: yes.
Comment: PVS1;PM2_Supporting